The following is an entry in ClinVar:

ClinVar aggregate classification (germline): Uncertain significance (1 of 4 stars; one submission).

Conditions:
Primary ciliary dyskinesia. Also called: Ciliary dyskinesia. Identifiers: Orphanet 244, MedGen C0008780, MONDO:0016575, HP:0012265.

Allele frequency attached by ClinVar (database versions not stated): gnomAD exomes below 0.00001; gnomAD 0.00001.
gnomAD v4.1: 2 of 1,302,716 alleles (0.00015%); highest among the groups gnomAD compares: Admixed American, 0.0041%; no homozygotes.

Submission:

Labcorp Genetics (formerly Invitae), Labcorp
Classification: Uncertain significance for Primary ciliary dyskinesia. Last evaluated: 2020-08-04. Review status: criteria provided, single submitter. Criteria: Invitae Variant Classification Sherloc (09022015). Collection method: clinical testing. Allele origin: germline.
Comment: In summary, the available evidence is currently insufficient to determine the role of this variant in disease. Therefore, it has been classified as a Variant of Uncertain Significance. Algorithms developed to predict the effect of missense changes on protein structure and function (SIFT, PolyPhen-2, Align-GVGD) all suggest that this variant is likely to be tolerated, but these predictions have not been confirmed by published functional studies and their clinical significance is uncertain. This variant has not been reported in the literature in individuals with DNAAF5-related conditions. The frequency data for this variant in the population databases is considered unreliable, as metrics indicate insufficient coverage at this position in the ExAC database. This sequence change replaces alanine with threonine at codon 190 of the DNAAF5 protein (p.Ala190Thr). The alanine residue is moderately conserved and there is a small physicochemical difference between alanine and threonine.

NM_017802.4(DNAAF5):c.568G>A (p.Ala190Thr)

Genes: DNAAF5 (dynein axonemal assembly factor 5; plus strand), PRKAR1B (protein kinase cAMP-dependent type I regulatory subunit beta; minus strand). Cytogenetic location: 7p22.3.
Variant type: single nucleotide variant.
Coding change: c.568G>A on transcript NM_017802.4 (MANE Select); coding-DNA position 568, G replaced by A.
Protein change: p.Ala190Thr; replaces alanine 190 with threonine.
Molecular consequence: missense variant. On other transcripts: non-coding transcript variant (1), intron variant (2).
Genome position (GRCh38, 1-based): chr7:727,288, G>A. VCF-style: chr7-727288-G-A. GRCh37 (hg19) VCF-style: chr7-766925-G-A.
Other names: c.-23+367C>T (NM_001164759.1); c.-23+302C>T (NM_001164758.2); short protein forms A190T.
Identifiers: ClinVar variation 1051792 (VCV001051792.9), dbSNP rs1781361793, ClinGen allele CA366531124.
Genomic context (GRCh38, chr7:727,288, plus strand): 5'-GCGCTGCGCTGCTCCCTGCTCGACCCCTTCGCCGCCGTGCGCCGCGAGAGCTGCAGCTGC[G>A]CCGCCGCCCTGGCGCAGGCCACGCCCGGTGAGCACCCCGGGCCCCGCTCCCACACGCCAC-3'
Protein context (NP_060272.3, residues 180-200): AAVRRESCSC[Ala190Thr]AALAQATPDH